The following is an entry in ClinVar:

ClinVar aggregate classification (germline): Uncertain significance (1 of 4 stars; one submission).

Allele frequency attached by ClinVar (database versions not stated): ESP Exome Variant Server 0.00008.
gnomAD v4.1: 39 of 1,612,108 alleles (0.0024%); highest among the groups gnomAD compares: Non-Finnish European, 0.0016%; no homozygotes.

Submission:

Labcorp Genetics (formerly Invitae), Labcorp
Classification: Uncertain significance. Last evaluated: 2023-06-11. Review status: criteria provided, single submitter. Criteria: Invitae Variant Classification Sherloc (09022015). Collection method: clinical testing. Allele origin: germline.
Comment: In summary, the available evidence is currently insufficient to determine the role of this variant in disease. Therefore, it has been classified as a Variant of Uncertain Significance. Advanced modeling of protein sequence and biophysical properties (such as structural, functional, and spatial information, amino acid conservation, physicochemical variation, residue mobility, and thermodynamic stability) performed at Invitae indicates that this missense variant is expected to disrupt PCK2 protein function. This variant has not been reported in the literature in individuals affected with PCK2-related conditions. This variant is present in population databases (rs201974284, gnomAD 0.04%). This sequence change replaces glycine, which is neutral and non-polar, with arginine, which is basic and polar, at codon 250 of the PCK2 protein (p.Gly250Arg).

NM_004563.4(PCK2):c.748G>C (p.Gly250Arg)

Genes: NRL (neural retina leucine zipper; minus strand), PCK2 (phosphoenolpyruvate carboxykinase 2, mitochondrial; plus strand). Cytogenetic location: 14q11.2.
Variant type: single nucleotide variant.
Coding change: c.748G>C on transcript NM_004563.4 (MANE Select); coding-DNA position 748, G replaced by C.
Protein change: p.Gly250Arg; replaces glycine 250 with arginine.
Molecular consequence: missense variant. On other transcripts: intron variant (3).
Genome position (GRCh38, 1-based): chr14:24,099,132, G>C. VCF-style: chr14-24099132-G-C. GRCh37 (hg19) VCF-style: chr14-24568341-G-C.
Other names: c.748G>C, p.Gly250Arg (NM_001018073.3); c.346G>C, p.Gly116Arg (NM_001291556.2, NM_001308054.2); c.-28+15590C>G (NM_001354768.3, NM_001354770.2); c.-253-14387C>G (NM_006177.5); short protein forms G116R, G250R.
Identifiers: ClinVar variation 2960181 (VCV002960181.3), dbSNP rs201974284, ClinGen allele CA7123217.